The following is an entry in ClinVar:

ClinVar aggregate classification (germline): Uncertain significance. Review status: criteria provided, multiple submitters, no conflicts (2 of 4 stars). 2 submissions from 2 submitters: Uncertain significance (2). Last evaluated 2023-08-04.

Conditions:
Cardiovascular phenotype. Identifiers: MedGen CN230736.
DiGeorge syndrome. Also called: Catch22; THIRD AND FOURTH PHARYNGEAL POUCH SYNDROME. Identifiers: Orphanet 567, MedGen C0012236, MONDO:0008564, OMIM 188400.

Allele frequency attached by ClinVar (database versions not stated): gnomAD exomes 0.00001.
gnomAD v4.1: 8 of 1,341,904 alleles (0.0006%); highest among the groups gnomAD compares: African/African-American, 0.0031%; no homozygotes.

Submissions (2):

Labcorp Genetics (formerly Invitae), Labcorp
Classification: Uncertain significance for DiGeorge syndrome. Last evaluated: 2023-08-04. Review status: criteria provided, single submitter. Criteria: Invitae Variant Classification Sherloc (09022015). Collection method: clinical testing. Allele origin: germline.
Comment: This sequence change replaces proline, which is neutral and non-polar, with serine, which is neutral and polar, at codon 384 of the TBX1 protein (p.Pro384Ser). This variant is not present in population databases (gnomAD no frequency). This variant has not been reported in the literature in individuals affected with TBX1-related conditions. ClinVar contains an entry for this variant (Variation ID: 946302). An algorithm developed to predict the effect of missense changes on protein structure and function (PolyPhen-2) suggests that this variant is likely to be tolerated. In summary, the available evidence is currently insufficient to determine the role of this variant in disease. Therefore, it has been classified as a Variant of Uncertain Significance.

Ambry Genetics
Classification: Uncertain significance for Cardiovascular phenotype. Last evaluated: 2023-03-16. Review status: criteria provided, single submitter. Criteria: Ambry Variant Classification Scheme 2023. Collection method: clinical testing. Allele origin: germline.
Comment: The p.P384S variant (also known as c.1150C>T), located in coding exon 8 of the TBX1 gene, results from a C to T substitution at nucleotide position 1150. The proline at codon 384 is replaced by serine, an amino acid with similar properties. This amino acid position is conserved. In addition, this alteration is predicted to be tolerated by in silico analysis. Since supporting evidence is limited at this time, the clinical significance of this alteration remains unclear.

NM_001379200.1(TBX1):c.1177C>T (p.Pro393Ser)

Gene: TBX1 (T-box transcription factor 1; plus strand). Cytogenetic location: 22q11.21.
Variant type: single nucleotide variant.
Coding change: c.1177C>T on transcript NM_001379200.1 (MANE Select); coding-DNA position 1177, C replaced by T.
Protein change: p.Pro393Ser; replaces proline 393 with serine.
Molecular consequence: missense variant. On other transcripts: intron variant (2).
Genome position (GRCh38, 1-based): chr22:19,766,529, C>T. VCF-style: chr22-19766529-C-T. GRCh37 (hg19) VCF-style: chr22-19754052-C-T.
Other names: c.1150C>T, p.Pro384Ser (NM_080647.1); c.1009+527C>T (NM_005992.1, NM_080646.2); short protein forms P393S, P384S.
Identifiers: ClinVar variation 946302 (VCV000946302.11), dbSNP rs1936852709, ClinGen allele CA410684409.